The following is an entry in ClinVar:

ClinVar aggregate classification (germline): Uncertain significance. Review status: criteria provided, multiple submitters, no conflicts (2 of 4 stars). 2 submissions from 2 submitters: Uncertain significance (2). Last evaluated 2021-06-16.

Conditions:
Renal cell carcinoma. Identifiers: Orphanet 217071, MedGen C0007134, MeSH D002292, MONDO:0005086, HP:0005584.
Hereditary cancer-predisposing syndrome. Also called: Tumor predisposition; Hereditary neoplastic syndrome; Neoplastic Syndromes, Hereditary; Hereditary Cancer Syndrome. Identifiers: Orphanet 140162, MedGen C0027672, MeSH D009386, MONDO:0015356.

Submissions (2):

Ambry Genetics
Classification: Uncertain significance for Hereditary cancer-predisposing syndrome. Last evaluated: 2021-06-16. Review status: criteria provided, single submitter. Criteria: Ambry Variant Classification Scheme 2023. Collection method: clinical testing. Allele origin: germline.
Comment: The p.T1307S variant (also known as c.3919A>T), located in coding exon 19 of the MET gene, results from an A to T substitution at nucleotide position 3919. The threonine at codon 1307 is replaced by serine, an amino acid with similar properties. This amino acid position is not well conserved in available vertebrate species. In addition, this alteration is predicted to be tolerated by in silico analysis. Since supporting evidence is limited at this time, the clinical significance of this alteration remains unclear.

Labcorp Genetics (formerly Invitae), Labcorp
Classification: Uncertain significance for Renal cell carcinoma. Last evaluated: 2018-12-24. Review status: criteria provided, single submitter. Criteria: Invitae Variant Classification Sherloc (09022015). Collection method: clinical testing. Allele origin: germline.
Comment: In summary, the available evidence is currently insufficient to determine the role of this variant in disease. Therefore, it has been classified as a Variant of Uncertain Significance. Algorithms developed to predict the effect of missense changes on protein structure and function (SIFT, PolyPhen-2, Align-GVGD) all suggest that this variant is likely to be tolerated, but these predictions have not been confirmed by published functional studies and their clinical significance is uncertain. This variant has not been reported in the literature in individuals with MET-related conditions. This variant is not present in population databases (ExAC no frequency). This sequence change replaces threonine with serine at codon 1307 of the MET protein (p.Thr1307Ser). The threonine residue is moderately conserved and there is a small physicochemical difference between threonine and serine.

NM_000245.4(MET):c.3865A>T (p.Thr1289Ser)

Gene: MET (MET proto-oncogene, receptor tyrosine kinase; plus strand). Cytogenetic location: 7q31.2.
Variant type: single nucleotide variant.
Coding change: c.3865A>T on transcript NM_000245.4 (MANE Select); coding-DNA position 3865, A replaced by T.
Protein change: p.Thr1289Ser; replaces threonine 1289 with serine.
Molecular consequence: missense variant.
Genome position (GRCh38, 1-based): chr7:116,795,721, A>T. VCF-style: chr7-116795721-A-T. GRCh37 (hg19) VCF-style: chr7-116435775-A-T.
Other names: c.3919A>T (LRG_662t1); c.3919A>T, p.Thr1307Ser (NM_001127500.3); c.2575A>T, p.Thr859Ser (NM_001324402.2); short protein forms T1307S, T859S, T1289S.
Identifiers: ClinVar variation 666147 (VCV000666147.12), dbSNP rs1584977945, ClinGen allele CA369117866.